The following is an entry in ClinVar:

ClinVar aggregate classification (germline): Uncertain significance. Review status: criteria provided, single submitter (1 of 4 stars). 2 submissions from 2 submitters: Uncertain significance (1). 1 of the submissions does not count toward it. Last evaluated 2021-12-13.

Conditions:
Hermansky-Pudlak syndrome 1 (HPS1). Also called: DELTA STORAGE POOL DISEASE. Identifiers: Orphanet 231500, Orphanet 79430, MedGen C2931875, MONDO:0008748, OMIM 203300.

Allele frequency attached by ClinVar (database versions not stated): gnomAD 0.00001.
gnomAD v4.1: 15 of 1,611,270 alleles (0.00093%); highest among the groups gnomAD compares: Non-Finnish European, 0.0013%; no homozygotes.

Submissions (2):

Fulgent Genetics
Classification: Uncertain significance for Hermansky-Pudlak syndrome 1. Last evaluated: 2021-12-13. Review status: criteria provided, single submitter. Criteria: ACMG Guidelines, 2015. Collection method: clinical testing. Allele origin: unknown.

ISTH-SSC Genomics in Thrombosis and Hemostasis, KU Leuven, Center for Molecular and Vascular Biology
Classification: Uncertain significance for Hermansky-Pudlak syndrome 1. Review status: no assertion criteria provided. Collection method: research. Allele origin: unknown. Affected: yes. Not counted in ClinVar's aggregate classification.
Comment: Submitted to GoldVariant by Dr Marie-Christine Morel-Kopp from Northern Blood Research Centre, Sydney, Australia

NM_000195.5(HPS1):c.2086C>T (p.Arg696Cys)

Gene: HPS1 (HPS1 biogenesis of lysosomal organelles complex 3 subunit 1; minus strand). Cytogenetic location: 10q24.2.
Variant type: single nucleotide variant.
Coding change: c.2086C>T on transcript NM_000195.5 (MANE Select); coding-DNA position 2086, C replaced by T.
Protein change: p.Arg696Cys; replaces arginine 696 with cysteine.
Molecular consequence: missense variant.
Genome position (GRCh38, 1-based): chr10:98,417,581, G>A on the plus strand (C>T on the coding strand, the complement: HPS1 is on the minus strand). VCF-style: chr10-98417581-G-A. GRCh37 (hg19) VCF-style: chr10-100177338-G-A.
Other names: c.1114C>T, p.Arg372Cys (NM_001311345.2, NM_001322487.2, NM_001322489.2); c.2086C>T, p.Arg696Cys (NM_001322476.2, NM_001322477.2); c.1987C>T, p.Arg663Cys (NM_001322478.2, NM_001322479.2); c.1825C>T, p.Arg609Cys (NM_001322480.2, NM_001322481.2); c.1726C>T, p.Arg576Cys (NM_001322482.2); c.1717C>T, p.Arg573Cys (NM_001322483.2, NM_001322484.2); c.1618C>T, p.Arg540Cys (NM_001322485.2); short protein forms R372C, R540C, R573C, R576C, R609C, R663C, R696C.
Identifiers: ClinVar variation 1695378 (VCV001695378.2), dbSNP rs118116760, ClinGen allele CA5638787.
Genomic context (GRCh38, chr10:98,417,581, plus strand): 5'-GGCTGGAGGACAGGATGCAAAGGCAGACTGCGGCCACCTTGGCCTAGAGCAGGGGGATAC[G>A]GGAGGCCTCCCAGAGGCGCCGGGCCAGCTGGCCGGCCTGCTGCACCAGCAGGTCAGTGGG-3'
Protein context (NP_000186.2, residues 686-700): QLARRLWEAS[Arg696Cys]IPLL